The following is an entry in ClinVar:

NM_000117.3(EMD):c.487A>G (p.Ser163Gly)

Gene: EMD (emerin; plus strand). Cytogenetic location: Xq28.
Variant type: single nucleotide variant.
Coding change: c.487A>G on transcript NM_000117.3 (MANE Select); coding-DNA position 487, A replaced by G.
Protein change: p.Ser163Gly; replaces serine 163 with glycine.
Molecular consequence: missense variant.
Genome position (GRCh38, 1-based): chrX:154,380,919, A>G. VCF-style: chrX-154380919-A-G. GRCh37 (hg19) VCF-style: chrX-153609279-A-G.
Other names: short protein forms S163G.
Identifiers: ClinVar variation 1440630 (VCV001440630.6), dbSNP rs1557182614, ClinGen allele CA415258554.

ClinVar aggregate classification (germline): Uncertain significance (1 of 4 stars; one submission).

Conditions:
X-linked Emery-Dreifuss muscular dystrophy. Also called: Muscular dystrophy, tardive Emery-Dreifuss type, with contractures. Identifiers: Orphanet 261, Orphanet 98863, MedGen C0751337, MONDO:0010680.

Submission:

Labcorp Genetics (formerly Invitae), Labcorp
Classification: Uncertain significance for X-linked Emery-Dreifuss muscular dystrophy. Last evaluated: 2025-08-08. Review status: criteria provided, single submitter. Criteria: Invitae Variant Classification Sherloc (09022015). Collection method: clinical testing. Allele origin: germline.
Comment: This sequence change replaces serine, which is neutral and polar, with glycine, which is neutral and non-polar, at codon 163 of the EMD protein (p.Ser163Gly). This variant is not present in population databases (gnomAD no frequency). This variant has not been reported in the literature in individuals affected with EMD-related conditions. ClinVar contains an entry for this variant (Variation ID: 1440630). Invitae Evidence Modeling of protein sequence and biophysical properties (such as structural, functional, and spatial information, amino acid conservation, physicochemical variation, residue mobility, and thermodynamic stability) indicates that this missense variant is not expected to disrupt EMD protein function with a negative predictive value of 80%. In summary, the available evidence is currently insufficient to determine the role of this variant in disease. Therefore, it has been classified as a Variant of Uncertain Significance.